The following is an entry in ClinVar:

ClinVar aggregate classification (germline): Pathogenic (1 of 4 stars; one submission).

Conditions:
Duchenne muscular dystrophy (DMD). Also called: MUSCULAR DYSTROPHY, PSEUDOHYPERTROPHIC PROGRESSIVE, DUCHENNE TYPE; Duchenne Muscular Dystrophy (DMD). Identifiers: Orphanet 98896, MedGen C0013264, MONDO:0010679, OMIM 310200.

Submission:

Labcorp Genetics (formerly Invitae), Labcorp
Classification: Pathogenic for Duchenne muscular dystrophy. Last evaluated: 2024-09-10. Review status: criteria provided, single submitter. Criteria: Invitae Variant Classification Sherloc (09022015). Collection method: clinical testing. Allele origin: germline.
Comment: This sequence change affects an acceptor splice site in intron 58 of the DMD gene. It is expected to disrupt RNA splicing. Variants that disrupt the donor or acceptor splice site typically lead to a loss of protein function (PMID: 16199547), and loss-of-function variants in DMD are known to be pathogenic (PMID: 16770791, 25007885). This variant is not present in population databases (gnomAD no frequency). Disruption of this splice site has been observed in individual(s) with Duchenne muscular dystrophy (PMID: 20485447, 28859693). Algorithms developed to predict the effect of sequence changes on RNA splicing suggest that this variant may disrupt the consensus splice site. For these reasons, this variant has been classified as Pathogenic.

Literature cited by the submitters: PubMed 16199547; PubMed 16770791; PubMed 25007885; PubMed 20485447; PubMed 28859693.

NM_004006.3(DMD):c.8669-1G>A

Gene: DMD (dystrophin; minus strand). Cytogenetic location: Xp21.2.
Variant type: single nucleotide variant.
Coding change: c.8669-1G>A on transcript NM_004006.3 (MANE Select); the canonical splice acceptor site of the intron before coding-DNA position 8669, G replaced by A.
Molecular consequence: splice acceptor variant.
Genome position (GRCh38, 1-based): chrX:31,478,375, C>T on the plus strand (G>A on the coding strand, the complement: DMD is on the minus strand). VCF-style: chrX-31478375-C-T. GRCh37 (hg19) VCF-style: chrX-31496492-C-T.
Other names: c.8645-1G>A (NM_000109.4); c.4646-1G>A (NM_004011.4); c.4637-1G>A (NM_004012.4); c.1289-1G>A (NM_004023.3, NM_004020.4, NM_004022.3 and 2 more transcripts); c.482-1G>A (NM_004014.3); c.8657-1G>A (NM_004009.3); c.8300-1G>A (NM_004010.3).
Identifiers: ClinVar variation 3661783 (VCV003661783.2).